The following is an entry in ClinVar:

ClinVar aggregate classification (germline): Uncertain significance. Review status: criteria provided, multiple submitters, no conflicts (2 of 4 stars). 3 submissions from 3 submitters: Uncertain significance (3). Last evaluated 2026-01-13.

Conditions:
Hereditary cancer-predisposing syndrome. Also called: Hereditary Cancer Syndrome; Neoplastic Syndromes, Hereditary; Tumor predisposition; Hereditary neoplastic syndrome. Identifiers: Orphanet 140162, MedGen C0027672, MeSH D009386, MONDO:0015356.
Ataxia-telangiectasia syndrome (AT). Also called: Cerebello-oculocutaneous telangiectasia; Immunodeficiency with ataxia telangiectasia; Ataxia-telangiectasia, complementation group E; Ataxia-telangiectasia, complementation group D; AT, COMPLEMENTATION GROUP C; ATAXIA-TELANGIECTASIA, COMPLEMENTATION GROUP A. Identifiers: Orphanet 100, MedGen C0004135, MONDO:0008840, OMIM 208900.

Allele frequency attached by ClinVar (database versions not stated): gnomAD exomes below 0.00001.
gnomAD v4.1: 1 of 1,614,162 alleles (0.000062%); highest among the groups gnomAD compares: Admixed American, 0.0017%; no homozygotes.

Submissions (3):

Labcorp Genetics (formerly Invitae), Labcorp
Classification: Uncertain significance for Ataxia-telangiectasia syndrome. Last evaluated: 2026-01-13. Review status: criteria provided, single submitter. Criteria: Invitae Variant Classification Sherloc (09022015). Collection method: clinical testing. Allele origin: germline.
Comment: This sequence change replaces methionine, which is neutral and non-polar, with threonine, which is neutral and polar, at codon 2158 of the ATM protein (p.Met2158Thr). This variant is present in population databases (no rsID available, gnomAD 0.003%). This variant has not been reported in the literature in individuals affected with ATM-related conditions. ClinVar contains an entry for this variant (Variation ID: 568957). Invitae Evidence Modeling of protein sequence and biophysical properties (such as structural, functional, and spatial information, amino acid conservation, physicochemical variation, residue mobility, and thermodynamic stability) indicates that this missense variant is not expected to disrupt ATM protein function with a negative predictive value of 95%. In summary, the available evidence is currently insufficient to determine the role of this variant in disease. Therefore, it has been classified as a Variant of Uncertain Significance.

Ambry Genetics
Classification: Uncertain significance for Hereditary cancer-predisposing syndrome. Last evaluated: 2025-02-28. Review status: criteria provided, single submitter. Criteria: Ambry Variant Classification Scheme 2023. Collection method: clinical testing. Allele origin: germline.
Comment: The p.M2158T variant (also known as c.6473T>C), located in coding exon 44 of the ATM gene, results from a T to C substitution at nucleotide position 6473. The methionine at codon 2158 is replaced by threonine, an amino acid with similar properties. This amino acid position is poorly conserved in available vertebrate species. In addition, this alteration is predicted to be tolerated by in silico analysis. Based on the available evidence, the clinical significance of this variant remains unclear.

Color Diagnostics, LLC DBA Color Health
Classification: Uncertain significance for Hereditary cancer-predisposing syndrome. Last evaluated: 2022-05-09. Review status: criteria provided, single submitter. Criteria: ACMG Guidelines, 2015. Collection method: clinical testing. Allele origin: germline.
Comment: This missense variant replaces methionine with threonine at codon 2158 of the ATM protein. Computational prediction suggests that this variant may not impact protein structure and function (internally defined REVEL score threshold <= 0.5, PMID: 27666373). To our knowledge, functional studies have not been reported for this variant. This variant has not been reported in individuals affected with hereditary cancer in the literature. This variant has been identified in 1/251444 chromosomes in the general population by the Genome Aggregation Database (gnomAD). The available evidence is insufficient to determine the role of this variant in disease conclusively. Therefore, this variant is classified as a Variant of Uncertain Significance.

NM_000051.4(ATM):c.6473T>C (p.Met2158Thr)

Genes: ATM (ATM serine/threonine kinase; plus strand), C11orf65 (chromosome 11 open reading frame 65; minus strand). Cytogenetic location: 11q22.3.
Variant type: single nucleotide variant.
Coding change: c.6473T>C on transcript NM_000051.4 (MANE Select); coding-DNA position 6473, T replaced by C.
Protein change: p.Met2158Thr; replaces methionine 2158 with threonine.
Molecular consequence: missense variant. On other transcripts: intron variant (2).
Genome position (GRCh38, 1-based): chr11:108,321,321, T>C. VCF-style: chr11-108321321-T-C. GRCh37 (hg19) VCF-style: chr11-108192048-T-C.
Other names: c.6473T>C, p.Met2158Thr (NM_001351834.2); c.641-12250A>G (NM_001330368.2); c.*39-12250A>G (NM_001351110.2); short protein forms M2158T.
Identifiers: ClinVar variation 568957 (VCV000568957.18), dbSNP rs1453101465, ClinGen allele CA382553914.